The following is an entry in ClinVar:

ClinVar aggregate classification (germline): Likely benign. Review status: criteria provided, multiple submitters, no conflicts (2 of 4 stars). 3 submissions from 3 submitters: Likely benign (3). Last evaluated 2026-08-01.

Conditions:
Cardiovascular phenotype. Identifiers: MedGen CN230736.
Dilated cardiomyopathy 1G (CMD1G). Identifiers: Orphanet 154, MedGen C1858763, MONDO:0011400, OMIM 604145.
Autosomal recessive limb-girdle muscular dystrophy type 2J (LGMDR10). Also called: MUSCULAR DYSTROPHY, LIMB-GIRDLE, AUTOSOMAL RECESSIVE 10; Limb-girdle muscular dystrophy, type 2J. Identifiers: Orphanet 140922, MedGen C1837342, MONDO:0012127, OMIM 608807.

Allele frequency attached by ClinVar (database versions not stated): gnomAD exomes 0.00002; ExAC 0.00003.
gnomAD v4.1: 25 of 1,613,600 alleles (0.0015%); highest among the groups gnomAD compares: South Asian, 0.0033%; no homozygotes.

Submissions (3):

CeGaT Center for Human Genetics Tuebingen
Classification: Likely benign. Last evaluated: 2026-08-01. Review status: criteria provided, single submitter. Criteria: CeGaT Center For Human Genetics Tuebingen Variant Classification Criteria Version 2. Collection method: clinical testing. Allele origin: germline. Affected: yes. Observed: 1 variant allele.
Comment: TTN: BP4, BP7

Labcorp Genetics (formerly Invitae), Labcorp
Classification: Likely benign for Dilated cardiomyopathy 1G; Autosomal recessive limb-girdle muscular dystrophy type 2J. Last evaluated: 2024-01-19. Review status: criteria provided, single submitter. Criteria: Invitae Variant Classification Sherloc (09022015). Collection method: clinical testing. Allele origin: germline.

Ambry Genetics
Classification: Likely benign for Cardiovascular phenotype. Last evaluated: 2013-10-25. Review status: criteria provided, single submitter. Criteria: Ambry Autosomal Dominant and X-Linked criteria (10/2015). Collection method: clinical testing. Allele origin: germline. Observed: 1 variant allele.

NM_001267550.2(TTN):c.95967C>T (p.Asn31989=)

Genes: TTN (titin; minus strand), TTN-AS1 (TTN antisense RNA 1; plus strand). Cytogenetic location: 2q31.2.
Variant type: single nucleotide variant.
Coding change: c.95967C>T on transcript NM_001267550.2 (MANE Select); coding-DNA position 95967, C replaced by T.
Protein change: p.Asn31989=; no amino-acid change (asparagine 31989 retained).
Molecular consequence: synonymous variant.
Genome position (GRCh38, 1-based): chr2:178,544,262, G>A on the plus strand (C>T on the coding strand, the complement: TTN is on the minus strand). VCF-style: chr2-178544262-G-A. GRCh37 (hg19) VCF-style: chr2-179408989-G-A.
Other names: c.91044C>T, p.Asn30348= (NM_001256850.1); c.68772C>T, p.Asn22924= (NM_003319.4); c.88263C>T, p.Asn29421= (NM_133378.4); c.69147C>T, p.Asn23049= (NM_133432.3); c.69348C>T, p.Asn23116= (NM_133437.4).
Identifiers: ClinVar variation 263723 (VCV000263723.13), dbSNP rs775762346, ClinGen allele CA1986850.